The following is an entry in ClinVar:

ClinVar aggregate classification (germline): Conflicting classifications of pathogenicity. Review status: criteria provided, conflicting classifications (1 of 4 stars). 3 submissions from 3 submitters: Pathogenic (1); Likely pathogenic (1); Uncertain significance (1). Last evaluated 2025-04-11.

Conditions:
Autosomal recessive limb-girdle muscular dystrophy type 2K. Also called: MUSCULAR DYSTROPHY-DYSTROGLYCANOPATHY (LIMB-GIRDLE), TYPE C, 1; MUSCULAR DYSTROPHY, LIMB-GIRDLE, TYPE 2K. Identifiers: Orphanet 86812, MedGen C1836373, MONDO:0012248, OMIM 609308.
Walker-Warburg congenital muscular dystrophy. Also called: Muscular dystrophy-dystroglycanopathy, type A; Walker-Warburg syndrome. Identifiers: Orphanet 899, MedGen C0265221, MONDO:0000171.
Muscular dystrophy-dystroglycanopathy (congenital with impaired intellectual development), type B, 1. Also called: Muscular dystrophy-dystroglycanopathy (congenital with intellectual disability), type B1; MUSCULAR DYSTROPHY, CONGENITAL, POMT1-RELATED. Identifiers: MedGen C5436962, MONDO:0013159, OMIM 613155.
Muscular dystrophy-dystroglycanopathy (congenital with brain and eye anomalies), type A1 (MDDGA1). Also called: Muscular dystrophy-dystroglycanopathy (congenital with brain and eye anomalies), type A, 1; WALKER-WARBURG SYNDROME OR MUSCLE-EYE-BRAIN DISEASE, POMT1-RELATED; Hydrocephalus, agyria and retinal dysplasia; Hard +/- E syndrome; Warburg syndrome; Chemke syndrome. Identifiers: Orphanet 588, Orphanet 899, MedGen C4284790, MONDO:0009364, OMIM 236670.

Allele frequency attached by ClinVar (database versions not stated): gnomAD exomes 0.00001; TOPMed below 0.00001.

Submissions (3):

Baylor Genetics
Classification: Uncertain significance for Muscular dystrophy-dystroglycanopathy (congenital with brain and eye anomalies), type A1. Last evaluated: 2025-04-11. Review status: criteria provided, single submitter. Criteria: ACMG Guidelines, 2015. Collection method: clinical testing. Allele origin: unknown.
Comment: Classified VUS because we curate POMT1 exon 8 variants with regard to MANE isoform NM_001077365.2, not NM_007171.4. Splicing algorithms agree with MANE, showing that the natural splicing site is expected to be after c.699. And this conclusion is strengthened by the benign nature of NM_007171.4(POMT1):c.751C>T(p.Gln251Ter) which is also known as NM_001077365.2(POMT1):c.699+52C>T in ClinVar 95466.

Labcorp Genetics (formerly Invitae), Labcorp
Classification: Pathogenic for Muscular dystrophy-dystroglycanopathy (congenital with impaired intellectual development), type B, 1; Walker-Warburg congenital muscular dystrophy; Autosomal recessive limb-girdle muscular dystrophy type 2K. Last evaluated: 2024-12-05. Review status: criteria provided, single submitter. Criteria: Invitae Variant Classification Sherloc (09022015). Collection method: clinical testing. Allele origin: germline.
Comment: This sequence change creates a premature translational stop signal (p.Gln254Argfs*32) in the POMT1 gene. It is expected to result in an absent or disrupted protein product. Loss-of-function variants in POMT1 are known to be pathogenic (PMID: 12369018, 15637732, 16575835). This variant is present in population databases (no rsID available, gnomAD 0.006%). This variant has not been reported in the literature in individuals affected with POMT1-related conditions. ClinVar contains an entry for this variant (Variation ID: 538723). For these reasons, this variant has been classified as Pathogenic.

Fulgent Genetics
Classification: Likely pathogenic for Muscular dystrophy-dystroglycanopathy (congenital with brain and eye anomalies), type A1; Autosomal recessive limb-girdle muscular dystrophy type 2K; Muscular dystrophy-dystroglycanopathy (congenital with impaired intellectual development), type B, 1. Last evaluated: 2024-05-03. Review status: criteria provided, single submitter. Criteria: ACMG Guidelines, 2015. Collection method: clinical testing. Allele origin: germline.

Literature cited by the submitters: PubMed 12369018 (cited by Labcorp Genetics (formerly Invitae), Labcorp); PubMed 15637732 (cited by Labcorp Genetics (formerly Invitae), Labcorp); PubMed 16575835 (cited by Labcorp Genetics (formerly Invitae), Labcorp).

NM_001077365.2(POMT1):c.699+62del

Gene: POMT1 (protein O-mannosyltransferase 1; plus strand). Cytogenetic location: 9q34.13.
Variant type: Deletion.
Coding change: c.699+62del on transcript NM_001077365.2 (MANE Select); 62 bases into the intron after coding-DNA position 699, one base deleted (A; older notation c.699+62delA).
Molecular consequence: intron variant. On other transcripts: frameshift variant (7), non-coding transcript variant (1).
Genome position (GRCh38, 1-based): chr9:131,510,058, A deleted. VCF-style (leftmost placement, unchanged base first): chr9-131510057-CA-C. GRCh37 (hg19) VCF-style: chr9-134385444-CA-C.
Other names: c.761delA (NM_007171.3); c.761del (NM_007171.3); c.761del, p.Gln254fs (NM_001353193.2, NM_007171.4); c.599del, p.Gln200fs (NM_001353197.2, NM_001353198.2, NM_001374689.1); c.410del, p.Gln137fs (NM_001353199.2); c.305del, p.Gln102fs (NM_001374695.1); c.699+62del (NM_001136113.2, NM_001374690.1); c.537+62del (NM_001353194.2, NM_001077366.2, NM_001374693.1); and 3 more; short protein forms Q137fs, Q200fs, Q254fs, Q102fs.
Identifiers: ClinVar variation 538723 (VCV000538723.10), dbSNP rs1356791510, ClinGen allele CA590946593.